The following is an entry in ClinVar:

ClinVar aggregate classification (germline): Benign (1 of 4 stars; one submission).

Allele frequency attached by ClinVar (database versions not stated): TOPMed 0.24917; 1000 Genomes Project 0.25619; 1000 Genomes Project 30x 0.26405.
gnomAD v4.1: 149,984 of 1,126,252 alleles (13%); highest among the groups gnomAD compares: African/African-American, 53%; 15,948 homozygotes.

Submission:

Unidad de Genómica Garrahan, Hospital de Pediatría Garrahan
Classification: Benign. Last evaluated: 2024-01-24. Review status: criteria provided, single submitter. Criteria: ACMG Guidelines, 2015. Collection method: clinical testing. Allele origin: germline. Affected: no. Observed: 24 variant alleles.
Comment: This variant is classified as Benign based on local population frequency. This variant was detected in 25% of patients studied by a panel of primary immunodeficiencies. Number of patients: 24. Only high quality variants are reported.

NM_016128.4(COPG1):c.492+58A>C

Gene: COPG1 (COPI coat complex subunit gamma 1; plus strand). Cytogenetic location: 3q21.3.
Variant type: single nucleotide variant.
Coding change: c.492+58A>C on transcript NM_016128.4 (MANE Select); 58 bases into the intron after coding-DNA position 492, A replaced by C.
Molecular consequence: intron variant.
Genome position (GRCh38, 1-based): chr3:129,255,135, A>C. VCF-style: chr3-129255135-A-C. GRCh37 (hg19) VCF-style: chr3-128973978-A-C.
Identifiers: ClinVar variation 2688300 (VCV002688300.2), dbSNP rs4927912, ClinGen allele CA11627915.
Genomic context (GRCh38, chr3:129,255,135, plus strand): 5'-TTGGTGTGTAGTTGCTGCTGGAGCCCTGCTGGGGGTGGGGTAGAAAATTGAAGAAAATTT[A>C]AGAGTCACATTCCAGTAGGAAAAAAGAAAGTGTTTCTTTCTTTCTTTTTTTTTTTTTGAT-3'